The following is an entry in ClinVar:

ClinVar aggregate classification (germline): Likely pathogenic (1 of 4 stars; one submission).

Conditions:
Ataxia-telangiectasia syndrome (AT). Also called: AT, COMPLEMENTATION GROUP C; ATAXIA-TELANGIECTASIA, COMPLEMENTATION GROUP A; ATAXIA-TELANGIECTASIA, FRESNO VARIANT; Ataxia-telangiectasia; LOUIS-BAR SYNDROME; Ataxia telangiectasia (A-T). Identifiers: Orphanet 100, MedGen C0004135, MONDO:0008840, OMIM 208900.

Submission:

Department of Clinical Genetics, Copenhagen University Hospital, Rigshospitalet
Classification: Likely pathogenic for Ataxia-telangiectasia syndrome. Last evaluated: 2023-11-03. Review status: criteria provided, single submitter. Criteria: ACMG Guidelines, 2015. Collection method: clinical testing. Allele origin: germline. Affected: yes.
Comment: The following ACMG criteria is used: PVS1_Strong (deletes 55 residues in the HEAT domain (p.(Arg111_Glu166delinsLys)), PM2_Supporting (not reported in gnomAD), PM3_Supporting (detected in trans with a pathogenic variant).

NM_000051.4:c.(331+1_332-1)_(496+1_497-1)del

Gene: ATM (ATM serine/threonine kinase; plus strand).
Variant type: Deletion.
Other names: c.(331+1_332-1)_(496+1_497-1)del (NM_000051.4).
Identifiers: ClinVar variation 3062358 (VCV003062358.1).